The following is an entry in ClinVar:

ClinVar aggregate classification (germline): Uncertain significance (1 of 4 stars; one submission).

Submission:

GeneDx
Classification: Uncertain significance. Last evaluated: 2024-08-26. Review status: criteria provided, single submitter. Criteria: GeneDx Variant Classification Process June 2021. Collection method: clinical testing. Allele origin: germline. Affected: yes.
Comment: Not observed at significant frequency in large population cohorts (gnomAD); In silico analysis supports that this missense variant has a deleterious effect on protein structure/function; Has not been previously published as pathogenic or benign to our knowledge

NM_000168.6(GLI3):c.887T>C (p.Ile296Thr)

Gene: GLI3 (GLI family zinc finger 3; minus strand). Cytogenetic location: 7p14.1.
Variant type: single nucleotide variant.
Coding change: c.887T>C on transcript NM_000168.6 (MANE Select); coding-DNA position 887, T replaced by C.
Protein change: p.Ile296Thr; replaces isoleucine 296 with threonine.
Molecular consequence: missense variant.
Genome position (GRCh38, 1-based): chr7:42,040,179, A>G on the plus strand (T>C on the coding strand, the complement: GLI3 is on the minus strand). VCF-style: chr7-42040179-A-G. GRCh37 (hg19) VCF-style: chr7-42079778-A-G.
Other names: short protein forms I296T.
Identifiers: ClinVar variation 3766320 (VCV003766320.1).
Genomic context (GRCh38, chr7:42,040,179, plus strand): 5'-GAGTTGGGAGACGTCCTTATCATGGTCTGAAGGTCAAAGCTATGATCGGAGAGTGGTGAT[A>G]TGGACAGTGTACGTTTTCGGCTCGGCCTGGCTGACAGCCTGGGGCTGGAGAATCTGGTGC-3'
Protein context (NP_000159.3, residues 286-306): ARPSRKRTLS[Ile296Thr]SPLSDHSFDL